The following is an entry in ClinVar:

ClinVar aggregate classification (germline): Pathogenic (1 of 4 stars; one submission).

Conditions:
Partial hypoxanthine-guanine phosphoribosyltransferase deficiency. Also called: HPRT DEFICIENCY, PARTIAL; HYPOXANTHINE GUANINE PHOSPHORIBOSYLTRANSFERASE 1 DEFICIENCY, PARTIAL; GOUT, HPRT-RELATED; Kelley-Seegmiller Syndrome; HPRT1 DEFICIENCY, PARTIAL. Identifiers: Orphanet 79233, MedGen C0268117, MONDO:0010299, OMIM 300323.
Lesch-Nyhan syndrome (LNS). Also called: HPRT DEFICIENCY, COMPLETE; Lesch-Nyhan Disease (LND). Identifiers: Orphanet 510, MedGen C0023374, MONDO:0010298, OMIM 300322.

Submission:

Labcorp Genetics (formerly Invitae), Labcorp
Classification: Pathogenic for Lesch-Nyhan syndrome; Partial hypoxanthine-guanine phosphoribosyltransferase deficiency. Last evaluated: 2022-07-21. Review status: criteria provided, single submitter. Criteria: Invitae Variant Classification Sherloc (09022015). Collection method: clinical testing. Allele origin: germline.
Comment: For these reasons, this variant has been classified as Pathogenic. This variant disrupts the p.His204 amino acid residue in HPRT1. Other variant(s) that disrupt this residue have been determined to be pathogenic (PMID: 9799086). This suggests that this residue is clinically significant, and that variants that disrupt this residue are likely to be disease-causing. Algorithms developed to predict the effect of missense changes on protein structure and function are either unavailable or do not agree on the potential impact of this missense change (SIFT: "Deleterious"; PolyPhen-2: "Probably Damaging"; Align-GVGD: "Class C0"). This missense change has been observed in individual(s) with Lesch-Nyhan syndrome (PMID: 23975452; Invitae). In at least one individual the variant was observed to be de novo. This variant is not present in population databases (gnomAD no frequency). This sequence change replaces histidine, which is basic and polar, with leucine, which is neutral and non-polar, at codon 204 of the HPRT1 protein (p.His204Leu).

Literature cited by the submitters: PubMed 9799086; PubMed 23975452.

NM_000194.3(HPRT1):c.611A>T (p.His204Leu)

Gene: HPRT1 (hypoxanthine phosphoribosyltransferase 1; plus strand). Cytogenetic location: Xq26.3.
Variant type: single nucleotide variant.
Coding change: c.611A>T on transcript NM_000194.3 (MANE Select); coding-DNA position 611, A replaced by T.
Protein change: p.His204Leu; replaces histidine 204 with leucine.
Molecular consequence: missense variant.
Genome position (GRCh38, 1-based): chrX:134,500,031, A>T. VCF-style: chrX-134500031-A-T. GRCh37 (hg19) VCF-style: chrX-133634061-A-T.
Other names: short protein forms H204L.
Identifiers: ClinVar variation 2138724 (VCV002138724.4), dbSNP rs2520844451, ClinGen allele CA414716349.
Genomic context (GRCh38, chrX:134,500,031, plus strand): 5'-CTTGCCTTTCATTTCAGAATATACTTTTTAAATGTGAATTTCTGGATTTTTTTTTATAGC[A>T]TGTTTGTGTCATTAGTGAAACTGGAAAAGCAAAATACAAAGCCTAAGATGAGAGTTCAAG-3'
Protein context (NP_000185.1, residues 194-214): DYNEYFRDLN[His204Leu]VCVISETGKA